The following is an entry in ClinVar:

ClinVar aggregate classification (germline): Uncertain significance. Review status: criteria provided, multiple submitters, no conflicts (2 of 4 stars). 2 submissions from 2 submitters: Uncertain significance (2). Last evaluated 2023-02-24.

Conditions:
RYR1-related disorder. Also called: RYR1-related condition; RYR1-related disorders. Identifiers: MedGen CN239331.
Malignant hyperthermia, susceptibility to, 1 (MHS1). Also called: RYR1-Related Malignant Hyperthermia Susceptibility; Malignant hyperthermia suceptibility 1; Anesthesia related hyperthermia; Malignant hyperpyrexia; Fulminating hyperpyrexia; Pharmacogenic myopathy. Identifiers: Orphanet 423, MedGen C2930980, MONDO:0007783, OMIM 145600.

Submissions (2):

All of Us Research Program, National Institutes of Health
Classification: Uncertain significance for Malignant hyperthermia, susceptibility to, 1. Last evaluated: 2023-02-24. Review status: criteria provided, single submitter. Criteria: ACMG Guidelines, 2015. Collection method: clinical testing. Allele origin: germline. Inheritance: Autosomal dominant inheritance. Observed: 1 variant allele, 1 heterozygote.
Comment: This missense variant replaces arginine with proline at codon 2625 of the RYR1 protein. Computational prediction suggests that this variant may have deleterious impact on protein structure and function (internally defined REVEL score threshold >= 0.7, PMID: 27666373). To our knowledge, functional studies have not been reported for this variant. This variant has not been reported in individuals affected with RYR1-related disorders in the literature. This variant has not been identified in the general population by the Genome Aggregation Database (gnomAD). The available evidence is insufficient to determine the role of this variant in disease conclusively. Therefore, this variant is classified as a Variant of Uncertain Significance.

This study involves interpretation of variants in research participants for the purpose of population health screening. Participant phenotype was not available at the time of variant classification. Additional details can be found in publication PMID: 35346344, PMCID: PMC8962531

Labcorp Genetics (formerly Invitae), Labcorp
Classification: Uncertain significance for RYR1-related disorder. Last evaluated: 2021-09-24. Review status: criteria provided, single submitter. Criteria: Invitae Variant Classification Sherloc (09022015). Collection method: clinical testing. Allele origin: germline.
Comment: This sequence change replaces arginine with proline at codon 2625 of the RYR1 protein (p.Arg2625Pro). The arginine residue is moderately conserved and there is a moderate physicochemical difference between arginine and proline. This variant is not present in population databases (ExAC no frequency). This variant has not been reported in the literature in individuals with RYR1-related conditions. Advanced modeling of protein sequence and biophysical properties (such as structural, functional, and spatial information, amino acid conservation, physicochemical variation, residue mobility, and thermodynamic stability) performed at Invitae indicates that this missense variant is expected to disrupt RYR1 protein function. In summary, the available evidence is currently insufficient to determine the role of this variant in disease. Therefore, it has been classified as a Variant of Uncertain Significance.

NM_000540.3(RYR1):c.7874G>C (p.Arg2625Pro)

Gene: RYR1 (ryanodine receptor 1; plus strand). Cytogenetic location: 19q13.2.
Variant type: single nucleotide variant.
Coding change: c.7874G>C on transcript NM_000540.3 (MANE Select); coding-DNA position 7874, G replaced by C.
Protein change: p.Arg2625Pro; replaces arginine 2625 with proline.
Molecular consequence: missense variant.
Genome position (GRCh38, 1-based): chr19:38,502,918, G>C. VCF-style: chr19-38502918-G-C. GRCh37 (hg19) VCF-style: chr19-38993558-G-C.
Other names: c.7874G>C, p.Arg2625Pro (NM_001042723.2); short protein forms R2625P.
Identifiers: ClinVar variation 1461502 (VCV001461502.6), dbSNP rs751301767, ClinGen allele CA405673814.